The following is an entry in ClinVar:

ClinVar aggregate classification (germline): Uncertain significance (1 of 4 stars; one submission).

Conditions:
Congenital disorder of deglycosylation (CDDG). Identifiers: MedGen C3808991, MONDO:0031376.

Allele frequency attached by ClinVar (database versions not stated): TOPMed 0.00001; gnomAD exomes 0.00002.
gnomAD v4.1: 27 of 1,613,762 alleles (0.0017%); highest among the groups gnomAD compares: East Asian, 0.0022%; no homozygotes.

Submission:

Labcorp Genetics (formerly Invitae), Labcorp
Classification: Uncertain significance for Congenital disorder of deglycosylation. Last evaluated: 2023-12-22. Review status: criteria provided, single submitter. Criteria: Invitae Variant Classification Sherloc (09022015). Collection method: clinical testing. Allele origin: germline.
Comment: This sequence change replaces arginine, which is basic and polar, with glutamine, which is neutral and polar, at codon 348 of the NGLY1 protein (p.Arg348Gln). This variant is present in population databases (no rsID available, gnomAD 0.003%). This variant has not been reported in the literature in individuals affected with NGLY1-related conditions. ClinVar contains an entry for this variant (Variation ID: 969799). Advanced modeling of protein sequence and biophysical properties (such as structural, functional, and spatial information, amino acid conservation, physicochemical variation, residue mobility, and thermodynamic stability) performed at Invitae indicates that this missense variant is expected to disrupt NGLY1 protein function with a positive predictive value of 80%. In summary, the available evidence is currently insufficient to determine the role of this variant in disease. Therefore, it has been classified as a Variant of Uncertain Significance.

NM_018297.4(NGLY1):c.1043G>A (p.Arg348Gln)

Gene: NGLY1 (N-glycanase 1; minus strand). Cytogenetic location: 3p24.2.
Variant type: single nucleotide variant.
Coding change: c.1043G>A on transcript NM_018297.4 (MANE Select); coding-DNA position 1043, G replaced by A.
Protein change: p.Arg348Gln; replaces arginine 348 with glutamine.
Molecular consequence: missense variant. On other transcripts: intron variant (1).
Genome position (GRCh38, 1-based): chr3:25,736,110, C>T on the plus strand (G>A on the coding strand, the complement: NGLY1 is on the minus strand). VCF-style: chr3-25736110-C-T. GRCh37 (hg19) VCF-style: chr3-25777601-C-T.
Other names: c.917G>A, p.Arg306Gln (NM_001145294.2); c.1043G>A, p.Arg348Gln (NM_001145295.2); c.1095+199G>A (NM_001145293.2); short protein forms R306Q, R348Q.
Identifiers: ClinVar variation 969799 (VCV000969799.6), dbSNP rs1559535370, ClinGen allele CA351900965.
Genomic context (GRCh38, chr3:25,736,110, plus strand): 5'-CCTATTTCATAAAGGAGTGGCTTGTCACAGACATCTTCACATGCATCACAGTGCAGCCAC[C>T]GCTGCTGAGAAGGAGAATAGACTTCTGTCCAGACATGGTCTACTCAAGTAAGAGAAAAGA-3'
Protein context (NP_060767.2, residues 338-358): WTEVYSPSQQ[Arg348Gln]WLHCDACEDV